The following is an entry in ClinVar:

ClinVar aggregate classification (germline): Uncertain significance. Review status: criteria provided, multiple submitters, no conflicts (2 of 4 stars). 2 submissions from 2 submitters: Uncertain significance (2). Last evaluated 2025-03-10.

Conditions:
Noonan syndrome 9 (NS9). Identifiers: Orphanet 648, MedGen C4225282, MONDO:0014691, OMIM 616559.

Submissions (2):

Labcorp Genetics (formerly Invitae), Labcorp
Classification: Uncertain significance for Noonan syndrome 9. Last evaluated: 2025-03-10. Review status: criteria provided, single submitter. Criteria: Invitae Variant Classification Sherloc (09022015). Collection method: clinical testing. Allele origin: germline.
Comment: This sequence change replaces serine, which is neutral and polar, with threonine, which is neutral and polar, at codon 592 of the SOS2 protein (p.Ser592Thr). This variant is not present in population databases (gnomAD no frequency). This variant has not been reported in the literature in individuals affected with SOS2-related conditions. ClinVar contains an entry for this variant (Variation ID: 3000013). Invitae Evidence Modeling of protein sequence and biophysical properties (such as structural, functional, and spatial information, amino acid conservation, physicochemical variation, residue mobility, and thermodynamic stability) indicates that this missense variant is not expected to disrupt SOS2 protein function with a negative predictive value of 95%. In summary, the available evidence is currently insufficient to determine the role of this variant in disease. Therefore, it has been classified as a Variant of Uncertain Significance.

Women's Health and Genetics/Laboratory Corporation of America, LabCorp
Classification: Uncertain significance. Last evaluated: 2024-10-15. Review status: criteria provided, single submitter. Criteria: LabCorp Variant Classification Summary - May 2015. Collection method: clinical testing. Allele origin: germline.
Comment: Variant summary: SOS2 c.1775G>C (p.Ser592Thr) results in a conservative amino acid change in the encoded protein sequence. Four of five in-silico tools predict a benign effect of the variant on protein function. The variant was absent in 251186 control chromosomes. The available data on variant occurrences in the general population are insufficient to allow any conclusion about variant significance. To our knowledge, no occurrence of c.1775G>C in individuals affected with Noonan Syndrome and no experimental evidence demonstrating its impact on protein function have been reported. ClinVar contains an entry for this variant (Variation ID: 3000013). Based on the evidence outlined above, the variant was classified as uncertain significance.

NM_006939.4(SOS2):c.1775G>C (p.Ser592Thr)

Gene: SOS2 (SOS Ras/Rho guanine nucleotide exchange factor 2; minus strand). Cytogenetic location: 14q21.3.
Variant type: single nucleotide variant.
Coding change: c.1775G>C on transcript NM_006939.4 (MANE Select); coding-DNA position 1775, G replaced by C.
Protein change: p.Ser592Thr; replaces serine 592 with threonine.
Molecular consequence: missense variant.
Genome position (GRCh38, 1-based): chr14:50,159,508, C>G on the plus strand (G>C on the coding strand, the complement: SOS2 is on the minus strand). VCF-style: chr14-50159508-C-G. GRCh37 (hg19) VCF-style: chr14-50626226-C-G.
Other names: c.1676G>C, p.Ser559Thr (NM_001411020.1); short protein forms S559T, S592T.
Identifiers: ClinVar variation 3000013 (VCV003000013.4), dbSNP rs2502988042, ClinGen allele CA389644998.